The following is an entry in ClinVar:

NM_032043.3(BRIP1):c.2612A>T (p.His871Leu)

Gene: BRIP1 (BRCA1 interacting DNA helicase 1; minus strand). Cytogenetic location: 17q23.2.
Variant type: single nucleotide variant.
Coding change: c.2612A>T on transcript NM_032043.3 (MANE Select); coding-DNA position 2612, A replaced by T.
Protein change: p.His871Leu; replaces histidine 871 with leucine.
Molecular consequence: missense variant.
Genome position (GRCh38, 1-based): chr17:61,686,129, T>A on the plus strand (A>T on the coding strand, the complement: BRIP1 is on the minus strand). VCF-style: chr17-61686129-T-A. GRCh37 (hg19) VCF-style: chr17-59763490-T-A.
Other names: short protein forms H871L.
Identifiers: ClinVar variation 4867909 (VCV004867909.1).

ClinVar aggregate classification (germline): Uncertain significance (1 of 4 stars; one submission).

Conditions:
Hereditary cancer-predisposing syndrome. Also called: Neoplastic Syndromes, Hereditary; Tumor predisposition; Hereditary Cancer Syndrome; Hereditary neoplastic syndrome. Identifiers: Orphanet 140162, MedGen C0027672, MeSH D009386, MONDO:0015356.

gnomAD v4.1: 1 of 1,613,968 alleles (0.000062%); highest among the groups gnomAD compares: African/African-American, 0.0013%; no homozygotes.

Submission:

Ambry Genetics
Classification: Uncertain significance for Hereditary cancer-predisposing syndrome. Last evaluated: 2026-03-29. Review status: criteria provided, single submitter. Criteria: Ambry Variant Classification Scheme 2023. Collection method: clinical testing. Allele origin: germline.
Comment: The p.H871L variant (also known as c.2612A>T), located in coding exon 18 of the BRIP1 gene, results from an A to T substitution at nucleotide position 2612. The histidine at codon 871 is replaced by leucine, an amino acid with similar properties. This amino acid position is conserved. In addition, the in silico prediction for this alteration is inconclusive. Based on the available evidence, the clinical significance of this variant remains unclear.